The following is an entry in ClinVar:

ClinVar aggregate classification (germline): Uncertain significance (1 of 4 stars; one submission).

Conditions:
Hereditary cancer-predisposing syndrome. Also called: Neoplastic Syndromes, Hereditary; Tumor predisposition; Hereditary neoplastic syndrome; Hereditary Cancer Syndrome. Identifiers: Orphanet 140162, MedGen C0027672, MeSH D009386, MONDO:0015356.
Cardiovascular phenotype. Identifiers: MedGen CN230736.

Submission:

Ambry Genetics
Classification: Uncertain significance for Cardiovascular phenotype; Hereditary cancer-predisposing syndrome. Last evaluated: 2023-12-18. Review status: criteria provided, single submitter. Criteria: Ambry Variant Classification Scheme 2023. Collection method: clinical testing. Allele origin: germline.
Comment: The p.M240L variant (also known as c.718A>T), located in coding exon 8 of the LZTR1 gene, results from an A to T substitution at nucleotide position 718. The methionine at codon 240 is replaced by leucine, an amino acid with highly similar properties. This amino acid position is conserved. In addition, the in silico prediction for this alteration is inconclusive. Since supporting evidence is limited at this time, the clinical significance of this alteration remains unclear.

NM_006767.4(LZTR1):c.718A>T (p.Met240Leu)

Gene: LZTR1 (leucine zipper like post translational regulator 1; plus strand). Cytogenetic location: 22q11.21.
Variant type: single nucleotide variant.
Coding change: c.718A>T on transcript NM_006767.4 (MANE Select); coding-DNA position 718, A replaced by T.
Protein change: p.Met240Leu; replaces methionine 240 with leucine.
Molecular consequence: missense variant.
Genome position (GRCh38, 1-based): chr22:20,990,452, A>T. VCF-style: chr22-20990452-A-T. GRCh37 (hg19) VCF-style: chr22-21344741-A-T.
Other names: short protein forms M240L.
Identifiers: ClinVar variation 3238331 (VCV003238331.1), dbSNP rs2518615774.
Genomic context (GRCh38, chr22:20,990,452, plus strand): 5'-CAGAGTGGCGAGATCCCCCCATCTTGCTGCAACTTCCCCGTGGCTGTGTGCCGGGACAAG[A>T]TGTTTGTATTCTCTGGGCAAAGCGGAGCCAAAATAACCAACAACCTCTTCCAGTTTGAAT-3'
Protein context (NP_006758.2, residues 230-250): NFPVAVCRDK[Met240Leu]FVFSGQSGAK